The following is an entry in ClinVar:

ClinVar aggregate classification (germline): Uncertain significance (1 of 4 stars; one submission).

Conditions:
Facioscapulohumeral muscular dystrophy 2 (FSHD2). Also called: FSHD2, DIGENIC; FACIOSCAPULOHUMERAL MUSCULAR DYSTROPHY 2, DIGENIC; MUSCULAR DYSTROPHY, FACIOSCAPULOHUMERAL, TYPE 1B. Identifiers: Orphanet 269, MedGen C1834671, MONDO:0008031, OMIM 158901.

Submission:

Labcorp Genetics (formerly Invitae), Labcorp
Classification: Uncertain significance for Facioscapulohumeral muscular dystrophy 2. Last evaluated: 2021-08-27. Review status: criteria provided, single submitter. Criteria: Invitae Variant Classification Sherloc (09022015). Collection method: clinical testing. Allele origin: germline.
Comment: This variant is not present in population databases (ExAC no frequency). In summary, the available evidence is currently insufficient to determine the role of this variant in disease. Therefore, it has been classified as a Variant of Uncertain Significance. Algorithms developed to predict the effect of missense changes on protein structure and function (SIFT, PolyPhen-2, Align-GVGD) all suggest that this variant is likely to be disruptive. This variant has not been reported in the literature in individuals affected with SMCHD1-related conditions. This sequence change replaces leucine with valine at codon 1813 of the SMCHD1 protein (p.Leu1813Val). The leucine residue is highly conserved and there is a small physicochemical difference between leucine and valine.

NM_015295.3(SMCHD1):c.5437T>G (p.Leu1813Val)

Gene: SMCHD1 (structural maintenance of chromosomes flexible hinge domain containing 1; plus strand). Cytogenetic location: 18p11.32.
Variant type: single nucleotide variant.
Coding change: c.5437T>G on transcript NM_015295.3 (MANE Select); coding-DNA position 5437, T replaced by G.
Protein change: p.Leu1813Val; replaces leucine 1813 with valine.
Molecular consequence: missense variant.
Genome position (GRCh38, 1-based): chr18:2,777,876, T>G. VCF-style: chr18-2777876-T-G. GRCh37 (hg19) VCF-style: chr18-2777874-T-G.
Other names: short protein forms L1813V.
Identifiers: ClinVar variation 1349358 (VCV001349358.6), dbSNP rs2143783851, ClinGen allele CA401686426.